The following is an entry in ClinVar:

NM_001271.4(CHD2):c.2279A>C (p.Lys760Thr)

Gene: CHD2 (chromodomain helicase DNA binding protein 2; plus strand). Cytogenetic location: 15q26.1.
Variant type: single nucleotide variant.
Coding change: c.2279A>C on transcript NM_001271.4 (MANE Select); coding-DNA position 2279, A replaced by C.
Protein change: p.Lys760Thr; replaces lysine 760 with threonine.
Molecular consequence: missense variant.
Genome position (GRCh38, 1-based): chr15:92,971,854, A>C. VCF-style: chr15-92971854-A-C. GRCh37 (hg19) VCF-style: chr15-93515084-A-C.
Other names: short protein forms K760T.
Identifiers: ClinVar variation 1052990 (VCV001052990.11), dbSNP rs2141835731, ClinGen allele CA393892921.
Genomic context (GRCh38, chr15:92,971,854, plus strand): 5'-TTGCCAAAGGAACAAGAGGCAGCACATCTGGTTTTCTTAATATTGTGATGGAACTGAAAA[A>C]ATGTTGCAACCACTGCTATCTGATTAAACCCCCTGAAGAAAATGAAAGGGAAAATGGACA-3'
Protein context (NP_001262.3, residues 750-770): GFLNIVMELK[Lys760Thr]CCNHCYLIKP

ClinVar aggregate classification (germline): Uncertain significance (1 of 4 stars; one submission).

Conditions:
Developmental and epileptic encephalopathy 94 (DEE94). Also called: CHD2-Related Neurodevelopmental Disorders; Epileptic encephalopathy, childhood-onset. Identifiers: Orphanet 1942, Orphanet 2382, MedGen C3809278, MONDO:0014150, OMIM 615369.

Submission:

Labcorp Genetics (formerly Invitae), Labcorp
Classification: Uncertain significance for Developmental and epileptic encephalopathy 94. Last evaluated: 2020-01-16. Review status: criteria provided, single submitter. Criteria: Invitae Variant Classification Sherloc (09022015). Collection method: clinical testing. Allele origin: germline.
Comment: This sequence change replaces lysine with threonine at codon 760 of the CHD2 protein (p.Lys760Thr). The lysine residue is highly conserved and there is a moderate physicochemical difference between lysine and threonine. This variant is not present in population databases (ExAC no frequency). This variant has not been reported in the literature in individuals with CHD2-related conditions. Algorithms developed to predict the effect of missense changes on protein structure and function are either unavailable or do not agree on the potential impact of this missense change (SIFT: "Tolerated"; PolyPhen-2: "Probably Damaging"; Align-GVGD: "Class C0"). In summary, the available evidence is currently insufficient to determine the role of this variant in disease. Therefore, it has been classified as a Variant of Uncertain Significance.